The following is an entry in ClinVar:

NM_001271.4(CHD2):c.4459G>A (p.Asp1487Asn)

Gene: CHD2 (chromodomain helicase DNA binding protein 2; plus strand). Cytogenetic location: 15q26.1.
Variant type: single nucleotide variant.
Coding change: c.4459G>A on transcript NM_001271.4 (MANE Select); coding-DNA position 4459, G replaced by A.
Protein change: p.Asp1487Asn; replaces aspartic acid 1487 with asparagine.
Molecular consequence: missense variant.
Genome position (GRCh38, 1-based): chr15:93,009,190, G>A. VCF-style: chr15-93009190-G-A. GRCh37 (hg19) VCF-style: chr15-93552420-G-A.
Other names: short protein forms D1487N.
Identifiers: ClinVar variation 2645725 (VCV002645725.24), dbSNP rs1490681709, ClinGen allele CA393904370.

ClinVar aggregate classification (germline): Uncertain significance (1 of 4 stars; one submission).

Submission:

CeGaT Center for Human Genetics Tuebingen
Classification: Uncertain significance. Last evaluated: 2023-10-01. Review status: criteria provided, single submitter. Criteria: CeGaT Center For Human Genetics Tuebingen Variant Classification Criteria Version 2. Collection method: clinical testing. Allele origin: germline. Affected: yes. Observed: 1 variant allele.
Comment: CHD2: PM2